The following is an entry in ClinVar:

NM_000156.6(GAMT):c.170C>A (p.Ala57Asp)

Genes: GAMT (guanidinoacetate N-methyltransferase; minus strand), LOC130062945 (ATAC-STARR-seq lymphoblastoid silent region 9707; plus strand). Cytogenetic location: 19p13.3.
Variant type: single nucleotide variant.
Coding change: c.170C>A on transcript NM_000156.6 (MANE Select); coding-DNA position 170, C replaced by A.
Protein change: p.Ala57Asp; replaces alanine 57 with aspartic acid.
Molecular consequence: missense variant.
Genome position (GRCh38, 1-based): chr19:1,401,307, G>T on the plus strand (C>A on the coding strand, the complement: GAMT is on the minus strand). VCF-style: chr19-1401307-G-T. GRCh37 (hg19) VCF-style: chr19-1401306-G-T.
Other names: NM_138924.3:c.170C>A; c.170C>A, p.Ala57Asp (NM_138924.3); short protein forms A57D.
Identifiers: ClinVar variation 2446455 (VCV002446455.2), dbSNP rs2082632221, ClinGen allele CA402998003.

ClinVar aggregate classification (germline): Uncertain significance (3 of 4 stars; one submission).

Conditions:
Deficiency of guanidinoacetate methyltransferase (CCDS2). Also called: Guanidinoacetate Methyltransferase (GAMT) Deficiency; CEREBRAL CREATINE DEFICIENCY SYNDROME 2; GAMT DEFICIENCY. Identifiers: Orphanet 382, MedGen C0574080, MONDO:0012999, OMIM 612736.

Submission:

ClinGen Cerebral Creatine Deficiency Syndromes Variant Curation Expert Panel, ClinGen
Classification: Uncertain significance for Deficiency of guanidinoacetate methyltransferase. Last evaluated: 2025-10-15. Review status: reviewed by expert panel. Criteria: ClinGen CCDS ACMG Specifications GAMT V2.0.0. Collection method: curation. Allele origin: germline. Inheritance: Autosomal recessive inheritance.
Comment: The NM_000156.6:c.170C>A variant in GAMT is predicted to result in the missense substitution of alanine by aspartate at amino acid 57 (p.Ala57Asp). To our knowledge, this variant has not been previously published in individuals with guanidinoacetate methyltransferase deficiency or in ClinVar. This variant is absent in gnomAD v4.1.0. (PM2_Supporting). The computational predictor REVEL gives a score of 0.759 which is in the range of 0.644-0.773, evidence that correlates with impact to GAMT function at the supporting level (PP3). SpliceAI predicts that the variant has no significant impact on splicing. In summary, the clinical significance of the p.Ala57Asp variant is uncertain. GAMT-specific ACMG/AMP criteria applied, as specified by the ClinGen Cerebral Creatine Deficiencies Variant Curation Expert Panel (CCDS VCEP) (Specifications version 2.0.0): PM2_Supporting, PP3. (Classification approved by the ClinGen Cerebral Creatine Deficiencies Variant Curation Expert Panel on October 15, 2025)